The following is an entry in ClinVar:

ClinVar aggregate classification (germline): Likely pathogenic (1 of 4 stars; one submission).

Conditions:
Maturity-onset diabetes of the young type 3. Also called: MODY type 3; MODY, type III. Identifiers: Orphanet 552, MedGen C1838100, MeSH C563933, MONDO:0010894, OMIM 600496. Disease mechanism: loss of function.

Submission:

Institute of Experimental Endocrinology, Slovak Academy of Sciences
Classification: Likely pathogenic for Maturity-onset diabetes of the young type 3. Last evaluated: 2021-04-16. Review status: criteria provided, single submitter. Criteria: ACMG Guidelines, 2015. Collection method: research. Allele origin: unknown. Inheritance: Autosomal dominant inheritance. Affected: yes. Observed: 1 heterozygote. Segregation with disease not observed.
Comment: The resultant transcript carries a 16 nt frameshift duplication leading to termination of the protein at 92th amino acid position (p.Val462Aspfs*92). The variant was not found in gnomAD.

NM_000545.8(HNF1A):c.1369_1384dup (p.Val462fs)

Gene: HNF1A (HNF1 homeobox A; plus strand). Cytogenetic location: 12q24.31.
Variant type: Duplication.
Coding change: c.1369_1384dup on transcript NM_000545.8 (MANE Select); coding-DNA positions 1369 to 1384, 16 bases duplicated (ACCACCCTGCAGCCCG).
Protein change: p.Val462fs; shifts the reading frame from valine 462.
Molecular consequence: frameshift variant.
Genome position (GRCh38, 1-based): chr12:120,997,533-120,997,548, ACCACCCTGCAGCCCG duplicated; duplicating any 16 consecutive bases within chr12:120,997,532-120,997,548 gives the same sequence; the c. name uses the placement nearest the transcript's 3' end. VCF-style (leftmost placement, unchanged base first): chr12-120997531-T-TGACCACCCTGCAGCCC. GRCh37 (hg19) VCF-style: chr12-121435334-T-TGACCACCCTGCAGCCC.
Other names: c.1369_1384dup, p.Val462fs (NM_001306179.2); short protein forms V462fs.
Identifiers: ClinVar variation 1173963 (VCV001173963.1), dbSNP rs2135847592, ClinGen allele CA2499221471.